The following is an entry in ClinVar:

NM_001572.5(IRF7):c.21-21_21-20del

Gene: IRF7 (interferon regulatory factor 7; minus strand). Cytogenetic location: 11p15.5.
Variant type: Microsatellite.
Coding change: c.21-21_21-20del on transcript NM_001572.5 (MANE Select); 21 bases into the intron before coding-DNA position 21 through 20 bases into the intron before coding-DNA position 21, 2 bases deleted (TC; older notation c.21-21_21-20delTC).
Molecular consequence: intron variant. On other transcripts: frameshift variant (1).
Genome position (GRCh38, 1-based): chr11:615,279-615,280, GA deleted on the plus strand (TC on the coding strand, the reverse complement: IRF7 is on the minus strand); deleting any 2 consecutive bases within chr11:615,279-615,283 gives the same sequence; the c. name uses the placement nearest the transcript's 3' end. VCF-style (leftmost placement, unchanged base first): chr11-615278-GGA-G. GRCh37 (hg19) VCF-style: chr11-615278-GGA-G.
Other names: c.39_40del, p.Pro14fs (NM_004031.4); c.21-21_21-20del (NM_004029.4); short protein forms P14fs.
Identifiers: ClinVar variation 2167793 (VCV002167793.4), dbSNP rs772080975, ClinGen allele CA5784119.

ClinVar aggregate classification (germline): Uncertain significance (1 of 4 stars; one submission).

Conditions:
Immunodeficiency 39 (IMD39). Identifiers: Orphanet 574918, MedGen C4225358, MONDO:0014597, OMIM 616345.

Submission:

Labcorp Genetics (formerly Invitae), Labcorp
Classification: Uncertain significance for Immunodeficiency 39. Last evaluated: 2023-10-13. Review status: criteria provided, single submitter. Criteria: Invitae Variant Classification Sherloc (09022015). Collection method: clinical testing. Allele origin: germline.
Comment: This sequence change creates a premature translational stop signal (p.Pro14Alafs*27) in the IRF7 gene. It is expected to result in an absent or disrupted protein product. However, the current clinical and genetic evidence is not sufficient to establish whether loss-of-function variants in IRF7 cause disease. This variant is present in population databases (rs772080975, gnomAD 0.009%). This variant has not been reported in the literature in individuals affected with IRF7-related conditions. Experimental studies and prediction algorithms are not available or were not evaluated, and the functional significance of this variant is currently unknown. In summary, the available evidence is currently insufficient to determine the role of this variant in disease. Therefore, it has been classified as a Variant of Uncertain Significance.